The following is an entry in ClinVar:

NM_001164508.2(NEB):c.13431del (p.Ile4478fs)

Gene: NEB (nebulin; minus strand). Cytogenetic location: 2q23.3.
Variant type: Deletion.
Coding change: c.13431del on transcript NM_001164508.2 (MANE Select); coding-DNA position 13431, one base deleted (C; older notation c.13431delC).
Protein change: p.Ile4478fs; shifts the reading frame from isoleucine 4478.
Molecular consequence: frameshift variant. On other transcripts: intron variant (1).
Genome position (GRCh38, 1-based): chr2:151,601,946, G deleted on the plus strand (C on the coding strand, the reverse complement: NEB is on the minus strand); the first of 2 consecutive G bases (chr2:151,601,946-151,601,947); deleting either gives the same sequence. VCF-style (leftmost placement, unchanged base first): chr2-151601945-TG-T. GRCh37 (hg19) VCF-style: chr2-152458459-TG-T.
Other names: c.13431del, p.Ile4478fs (NM_001164507.2, NM_001271208.2); c.13430delC, p.Ile4478Leufs (NM_001271208.1); c.11601+7863del (NM_004543.5); short protein forms I4478fs.
Identifiers: ClinVar variation 4058577 (VCV004058577.2).

ClinVar aggregate classification (germline): Likely pathogenic (1 of 4 stars; one submission).

Conditions:
Nemaline myopathy 2 (NEM2). Also called: Nemaline myopathy 2, autosomal recessive. Identifiers: MedGen C1850569, MONDO:0009725, OMIM 256030.

Submission:

Natera, Inc.
Classification: Likely pathogenic for Nemaline myopathy type 2. Last evaluated: 2025-04-04. Review status: criteria provided, single submitter. Criteria: Natera Variant Classification Schema (03/2026). Collection method: clinical testing. Allele origin: germline.
Comment: The c.13431del variant in NEB is a frameshift variant predicted to shift the reading frame beginning at codon 4478 and leads to a stop codon 48 codons downstream. This variant is expected to result in nonsense mediated decay, truncation, or a dysfunctional protein product. This variant is rare in the general population with a frequency below the threshold expected for the associated phenotype(s). Given the available evidence, this variant is classified as Likely Pathogenic.